The following is an entry in ClinVar:

ClinVar aggregate classification (germline): Uncertain significance. Review status: criteria provided, multiple submitters, no conflicts (2 of 4 stars). 3 submissions from 3 submitters: Uncertain significance (3). Last evaluated 2026-01-26.

Conditions:
Hereditary cancer-predisposing syndrome. Also called: Neoplastic Syndromes, Hereditary; Tumor predisposition; Hereditary Cancer Syndrome; Hereditary neoplastic syndrome. Identifiers: Orphanet 140162, MedGen C0027672, MeSH D009386, MONDO:0015356.

gnomAD v4.1: 8 of 1,613,942 alleles (0.0005%); highest among the groups gnomAD compares: Non-Finnish European, 0.00068%; no homozygotes.

Submissions (3):

Labcorp Genetics (formerly Invitae), Labcorp
Classification: Uncertain significance. Last evaluated: 2026-01-26. Review status: criteria provided, single submitter. Criteria: Invitae Variant Classification Sherloc (09022015). Collection method: clinical testing. Allele origin: germline.
Comment: This sequence change replaces phenylalanine, which is neutral and non-polar, with leucine, which is neutral and non-polar, at codon 119 of the POLE protein (p.Phe119Leu). This variant is not present in population databases (gnomAD no frequency). This variant has not been reported in the literature in individuals affected with POLE-related conditions. ClinVar contains an entry for this variant (Variation ID: 473602). Invitae Evidence Modeling of protein sequence and biophysical properties (such as structural, functional, and spatial information, amino acid conservation, physicochemical variation, residue mobility, and thermodynamic stability) indicates that this missense variant is not expected to disrupt POLE protein function with a negative predictive value of 80%. RNA analysis performed to evaluate the impact of this missense change on mRNA splicing indicates it does not significantly alter splicing (internal data). In summary, the available evidence is currently insufficient to determine the role of this variant in disease. Therefore, it has been classified as a Variant of Uncertain Significance.

Ambry Genetics
Classification: Uncertain significance for Hereditary cancer-predisposing syndrome. Last evaluated: 2025-02-28. Review status: criteria provided, single submitter. Criteria: Ambry Variant Classification Scheme 2023. Collection method: clinical testing. Allele origin: germline.
Comment: The p.F119L variant (also known as c.355T>C), located in coding exon 5 of the POLE gene, results from a T to C substitution at nucleotide position 355. The phenylalanine at codon 119 is replaced by leucine, an amino acid with highly similar properties. This amino acid position is well conserved in available vertebrate species. In addition, this alteration is predicted to be tolerated by in silico analysis. Based on the available evidence, the clinical significance of this variant remains unclear.

GeneDx
Classification: Uncertain significance. Last evaluated: 2024-02-06. Review status: criteria provided, single submitter. Criteria: GeneDx Variant Classification Process June 2021. Collection method: clinical testing. Allele origin: germline. Affected: yes.
Comment: Not observed at significant frequency in large population cohorts (gnomAD); In silico analysis supports that this missense variant has a deleterious effect on protein structure/function; In silico analysis is inconclusive as to whether the variant alters gene splicing. In the absence of RNA/functional studies, the actual effect of this sequence change is unknown.; Has not been previously published as pathogenic or benign to our knowledge

NM_006231.4(POLE):c.355T>C (p.Phe119Leu)

Gene: POLE (DNA polymerase epsilon, catalytic subunit; minus strand). Cytogenetic location: 12q24.33.
Variant type: single nucleotide variant.
Coding change: c.355T>C on transcript NM_006231.4 (MANE Select); coding-DNA position 355, T replaced by C.
Protein change: p.Phe119Leu; replaces phenylalanine 119 with leucine.
Molecular consequence: missense variant.
Genome position (GRCh38, 1-based): chr12:132,680,022, A>G on the plus strand (T>C on the coding strand, the complement: POLE is on the minus strand). VCF-style: chr12-132680022-A-G. GRCh37 (hg19) VCF-style: chr12-133256608-A-G.
Other names: c.355T>C (NM_006231.2); short protein forms F119L.
Identifiers: ClinVar variation 473602 (VCV000473602.11), dbSNP rs879254235, ClinGen allele CA387368246.
Genomic context (GRCh38, chr12:132,680,022, plus strand): 5'-GATCCTCTTTGGGGACAGTCTCCACTTTTGCAATTTTGCCCTGAAACTTCTTGGAGAGAA[A>G]AGATGAAACTTCTCGCTCACAACCCTAATCAGGATCAGAATGAAAAGGCTTTCCATTGGT-3'
Protein context (NP_006222.2, residues 109-129): RKGCEREVSS[Phe119Leu]LSKKFQGKIA